The following is an entry in ClinVar:

ClinVar aggregate classification (germline): Pathogenic/Likely pathogenic. Review status: criteria provided, multiple submitters, no conflicts (2 of 4 stars). 2 submissions from 2 submitters: Pathogenic (1); Likely pathogenic (1). Last evaluated 2026-01-07.

Conditions:
2-aminoadipic 2-oxoadipic aciduria (AAKAD). Also called: Aminoadipic aciduria; ALPHA-AMINOADIPIC AND ALPHA-KETOADIPIC ACIDURIA. Identifiers: Orphanet 79154, MedGen C1859817, MONDO:0008774, OMIM 204750.
Charcot-Marie-Tooth disease axonal type 2Q. Also called: CHARCOT-MARIE-TOOTH DISEASE, AXONAL, AUTOSOMAL DOMINANT, TYPE 2Q; CHARCOT-MARIE-TOOTH NEUROPATHY, TYPE 2Q. Identifiers: Orphanet 329258, MedGen C3554366, MONDO:0014012, OMIM 615025.

Submissions (2):

Labcorp Genetics (formerly Invitae), Labcorp
Classification: Pathogenic for 2-aminoadipic 2-oxoadipic aciduria. Last evaluated: 2026-01-07. Review status: criteria provided, single submitter. Criteria: Invitae Variant Classification Sherloc (09022015). Collection method: clinical testing. Allele origin: germline.
Comment: This sequence change creates a premature translational stop signal (p.Glu821Ilefs*8) in the DHTKD1 gene. It is expected to result in an absent or disrupted protein product. Loss-of-function variants in DHTKD1 are known to be pathogenic (PMID: 23141293, 25860818). This variant is not present in population databases (gnomAD no frequency). This variant has not been reported in the literature in individuals affected with DHTKD1-related conditions. ClinVar contains an entry for this variant (Variation ID: 644977). For these reasons, this variant has been classified as Pathogenic.

Fulgent Genetics
Classification: Likely pathogenic for 2-aminoadipic 2-oxoadipic aciduria; Charcot-Marie-Tooth disease axonal type 2Q. Last evaluated: 2021-08-31. Review status: criteria provided, single submitter. Criteria: ACMG Guidelines, 2015. Collection method: clinical testing. Allele origin: unknown.

Literature cited by the submitters: PubMed 23141293 (cited by Labcorp Genetics (formerly Invitae), Labcorp); PubMed 25860818 (cited by Labcorp Genetics (formerly Invitae), Labcorp).

NM_018706.7(DHTKD1):c.2457_2458del (p.Glu821fs)

Gene: DHTKD1 (dehydrogenase E1 and transketolase domain containing 1; plus strand). Cytogenetic location: 10p14.
Variant type: Deletion.
Coding change: c.2457_2458del on transcript NM_018706.7 (MANE Select); coding-DNA positions 2457 to 2458, 2 bases deleted (AA; older notation c.2457_2458delAA).
Protein change: p.Glu821fs; shifts the reading frame from glutamic acid 821.
Molecular consequence: frameshift variant.
Genome position (GRCh38, 1-based): chr10:12,118,803-12,118,804, AA deleted; deleting any 2 consecutive bases within chr10:12,118,802-12,118,804 gives the same sequence; the c. name uses the placement nearest the transcript's 3' end. VCF-style (leftmost placement, unchanged base first): chr10-12118801-CAA-C. GRCh37 (hg19) VCF-style: chr10-12160800-CAA-C.
Other names: short protein forms E821fs.
Identifiers: ClinVar variation 644977 (VCV000644977.8), dbSNP rs1271803838, ClinGen allele CA660772746.